The following is an entry in ClinVar:

NM_001365951.3(KIF1B):c.955T>A (p.Leu319Ile)

Gene: KIF1B (kinesin family member 1B; plus strand). Cytogenetic location: 1p36.22.
Variant type: single nucleotide variant.
Coding change: c.955T>A on transcript NM_001365951.3 (MANE Select); coding-DNA position 955, T replaced by A.
Protein change: p.Leu319Ile; replaces leucine 319 with isoleucine.
Molecular consequence: missense variant.
Genome position (GRCh38, 1-based): chr1:10,275,500, T>A. VCF-style: chr1-10275500-T-A. GRCh37 (hg19) VCF-style: chr1-10335558-T-A.
Other names: c.955T>A, p.Leu319Ile (NM_001365952.1); c.937T>A, p.Leu313Ile (NM_001365953.1, NM_015074.3, NM_183416.4); short protein forms L313I, L319I.
Identifiers: ClinVar variation 2865391 (VCV002865391.3), dbSNP rs2521149316, ClinGen allele CA338332645.

ClinVar aggregate classification (germline): Uncertain significance (1 of 4 stars; one submission).

Conditions:
Charcot-Marie-Tooth disease type 2. Also called: Charcot-Marie-Tooth type 2. Identifiers: Orphanet 64746, MedGen C0270914, MONDO:0018993.

Submission:

Labcorp Genetics (formerly Invitae), Labcorp
Classification: Uncertain significance for Charcot-Marie-Tooth disease type 2. Last evaluated: 2023-05-18. Review status: criteria provided, single submitter. Criteria: Invitae Variant Classification Sherloc (09022015). Collection method: clinical testing. Allele origin: germline.
Comment: This sequence change replaces leucine, which is neutral and non-polar, with isoleucine, which is neutral and non-polar, at codon 313 of the KIF1B protein (p.Leu313Ile). This variant is not present in population databases (gnomAD no frequency). This variant has not been reported in the literature in individuals affected with KIF1B-related conditions. Advanced modeling of protein sequence and biophysical properties (such as structural, functional, and spatial information, amino acid conservation, physicochemical variation, residue mobility, and thermodynamic stability) performed at Invitae indicates that this missense variant is not expected to disrupt KIF1B protein function. In summary, the available evidence is currently insufficient to determine the role of this variant in disease. Therefore, it has been classified as a Variant of Uncertain Significance.